The following is an entry in ClinVar:

NM_001035.3(RYR2):c.3702_3710del (p.Gly1235_Glu1237del)

Gene: RYR2 (ryanodine receptor 2; plus strand). Cytogenetic location: 1q43.
Variant type: Deletion.
Coding change: c.3702_3710del on transcript NM_001035.3 (MANE Select); coding-DNA positions 3702 to 3710, 9 bases deleted (GGGCTATGA; older notation c.3702_3710delGGGCTATGA).
Protein change: p.Gly1235_Glu1237del.
Molecular consequence: inframe deletion.
Genome position (GRCh38, 1-based): chr1:237,589,896-237,589,904, GGGCTATGA deleted; deleting any 9 consecutive bases within chr1:237,589,894-237,589,904 gives the same sequence; the c. name uses the placement nearest the transcript's 3' end. VCF-style (leftmost placement, unchanged base first): chr1-237589893-AGAGGGCTAT-A. GRCh37 (hg19) VCF-style: chr1-237753193-AGAGGGCTAT-A.
Identifiers: ClinVar variation 2774285 (VCV002774285.2), dbSNP rs2546606769, ClinGen allele CA2574459682.

ClinVar aggregate classification (germline): Uncertain significance (1 of 4 stars; one submission).

Conditions:
Cardiomyopathy (CMYO). Also called: Cardiomyopathies. Identifiers: Orphanet 167848, MedGen C0878544, MONDO:0004994, HP:0001638. Inheritance: Various modes of inheritance.

Submission:

Color Diagnostics, LLC DBA Color Health
Classification: Uncertain significance for Cardiomyopathy. Last evaluated: 2021-10-01. Review status: criteria provided, single submitter. Criteria: ACMG Guidelines, 2015. Collection method: clinical testing. Allele origin: germline.
Comment: This variant causes an in-frame deletion of three amino acids (p.Gly1235_Glu1237del) in the RYR2 protein. To our knowledge, functional studies have not been reported for this variant. This variant has not been reported in individuals affected with cardiovascular disorders in the literature. This variant has not been identified in the general population by the Genome Aggregation Database (gnomAD). The available evidence is insufficient to determine the role of this variant in disease conclusively. Therefore, this variant is classified as a Variant of Uncertain Significance.